The following is an entry in ClinVar:

ClinVar aggregate classification (germline): Uncertain significance (1 of 4 stars; one submission).

Conditions:
Dilated cardiomyopathy 1J (CMD1J). Also called: CARDIOMYOPATHY, DILATED, WITH SENSORINEURAL HEARING LOSS, AUTOSOMAL DOMINANT. Identifiers: Orphanet 217622, MedGen C1854368, MONDO:0011541, OMIM 605362.

Allele frequency attached by ClinVar (database versions not stated): gnomAD exomes below 0.00001 and 0.00001.
gnomAD v4.1: 7 of 1,612,760 alleles (0.00043%); highest among the groups gnomAD compares: Admixed American, 0.0017%; no homozygotes.

Submission:

Labcorp Genetics (formerly Invitae), Labcorp
Classification: Uncertain significance for Dilated cardiomyopathy 1J. Last evaluated: 2020-11-03. Review status: criteria provided, single submitter. Criteria: Invitae Variant Classification Sherloc (09022015). Collection method: clinical testing. Allele origin: germline.
Comment: In summary, the available evidence is currently insufficient to determine the role of this variant in disease. Therefore, it has been classified as a Variant of Uncertain Significance. Nucleotide substitutions within the consensus splice site are a relatively common cause of aberrant splicing (PMID: 17576681, 9536098). Algorithms developed to predict the effect of sequence changes on RNA splicing suggest that this variant may disrupt the consensus splice site, but this prediction has not been confirmed by published transcriptional studies. This variant has not been reported in the literature in individuals with EYA4-related conditions. This variant is not present in population databases (ExAC no frequency). This sequence change falls in intron 11 of the EYA4 gene. It does not directly change the encoded amino acid sequence of the EYA4 protein. It affects a nucleotide within the consensus splice site of the intron.

Literature cited by the submitters: PubMed 17576681; PubMed 9536098.

NM_004100.5(EYA4):c.970+3A>G

Gene: EYA4 (EYA transcriptional coactivator and phosphatase 4; plus strand). Cytogenetic location: 6q23.2.
Variant type: single nucleotide variant.
Coding change: c.970+3A>G on transcript NM_004100.5 (MANE Select); 3 bases into the intron after coding-DNA position 970, A replaced by G.
Molecular consequence: intron variant. On other transcripts: missense variant (2).
Genome position (GRCh38, 1-based): chr6:133,468,734, A>G. VCF-style: chr6-133468734-A-G. GRCh37 (hg19) VCF-style: chr6-133789872-A-G.
Other names: c.973A>G, p.Thr325Ala (NM_001301013.2); c.811A>G, p.Thr271Ala (NM_001370459.1); c.970+3A>G (NM_172105.4); c.901+3A>G (NM_001370458.1, NM_172103.4); c.808+3A>G (NM_001301012.2); short protein forms T325A, T271A.
Identifiers: ClinVar variation 1426016 (VCV001426016.6), dbSNP rs1358062338, ClinGen allele CA365703978.
Genomic context (GRCh38, chr6:133,468,734, plus strand): 5'-TCTTCAACCTCTACTTATCAGTTGCAGGAATCTCTCCCAGGACTGACTAACCAACCAGGT[A>G]CAGATCTTCACCCAGGTGAAATACTTTTATATGTTTTGCAATATCTAATAAAACGGAGAA-3'